The following is an entry in ClinVar:

ClinVar aggregate classification (germline): Likely benign. Review status: criteria provided, multiple submitters, no conflicts (2 of 4 stars). 5 submissions from 5 submitters: Likely benign (4). 1 of the submissions does not count toward it. Last evaluated 2026-01-31.

Conditions:
Cardiovascular phenotype. Identifiers: MedGen CN230736.
Duchenne muscular dystrophy (DMD). Also called: MUSCULAR DYSTROPHY, PSEUDOHYPERTROPHIC PROGRESSIVE, DUCHENNE TYPE; Duchenne Muscular Dystrophy (DMD). Identifiers: Orphanet 98896, MedGen C0013264, MONDO:0010679, OMIM 310200.
Dystrophin deficiency.
Becker muscular dystrophy (BMD). Also called: Becker Muscular Dystrophy (BMD); MUSCULAR DYSTROPHY, PSEUDOHYPERTROPHIC PROGRESSIVE, BECKER TYPE. Identifiers: Orphanet 98895, MedGen C0917713, MONDO:0010311, OMIM 300376.
Cardiomyopathy (CMYO). Also called: Cardiomyopathies. Identifiers: Orphanet 167848, MedGen C0878544, MONDO:0004994, HP:0001638. Inheritance: Various modes of inheritance.

Allele frequency attached by ClinVar (database versions not stated): gnomAD exomes 0.00002 and 0.00012; ExAC 0.00003; TOPMed 0.00005; gnomAD 0.00007 and 0.00008.
gnomAD v4.1: 143 of 1,210,033 alleles (0.012%); highest among the groups gnomAD compares: Non-Finnish European, 0.015%; no homozygotes.

Submissions (5):

Labcorp Genetics (formerly Invitae), Labcorp
Classification: Likely benign for Duchenne muscular dystrophy. Last evaluated: 2026-01-31. Review status: criteria provided, single submitter. Criteria: Invitae Variant Classification Sherloc (09022015). Collection method: clinical testing. Allele origin: germline.

Ambry Genetics
Classification: Likely benign for Cardiovascular phenotype. Last evaluated: 2024-11-11. Review status: criteria provided, single submitter. Criteria: Ambry Variant Classification Scheme 2023. Collection method: clinical testing. Allele origin: germline.

Blueprint Genetics
Classification: Likely benign. Last evaluated: 2023-08-28. Review status: criteria provided, single submitter. Criteria: ACMG Guidelines, 2015. Collection method: clinical testing. Allele origin: germline.

GeneDx
Classification: Likely benign. Last evaluated: 2016-07-19. Review status: criteria provided, single submitter. Criteria: GeneDx Variant Classification (06012015). Collection method: clinical testing. Allele origin: germline. Affected: yes.
Comment: This variant is considered likely benign or benign based on one or more of the following criteria: it is a conservative change, it occurs at a poorly conserved position in the protein, it is predicted to be benign by multiple in silico algorithms, and/or has population frequency not consistent with disease.

Natera, Inc.
Classification: Likely benign for Becker muscular dystrophy; Cardiomyopathy; Duchenne muscular dystrophy; Dystrophin deficiency. Last evaluated: 2020-07-24. Review status: no assertion criteria provided. Collection method: clinical testing. Allele origin: germline. Not counted in ClinVar's aggregate classification.

NM_004006.3(DMD):c.7725G>A (p.Leu2575=)

Gene: DMD (dystrophin; minus strand). Cytogenetic location: Xp21.1.
Variant type: single nucleotide variant.
Coding change: c.7725G>A on transcript NM_004006.3 (MANE Select); coding-DNA position 7725, G replaced by A.
Protein change: p.Leu2575=; no amino-acid change (leucine 2575 retained).
Molecular consequence: synonymous variant.
Genome position (GRCh38, 1-based): chrX:31,679,522, C>T on the plus strand (G>A on the coding strand, the complement: DMD is on the minus strand). VCF-style: chrX-31679522-C-T. GRCh37 (hg19) VCF-style: chrX-31697639-C-T.
Other names: c.7701G>A, p.Leu2567= (NM_000109.4); c.7713G>A, p.Leu2571= (NM_004009.3); c.7356G>A, p.Leu2452= (NM_004010.3); c.3702G>A, p.Leu1234= (NM_004011.4); c.3693G>A, p.Leu1231= (NM_004012.4); c.345G>A, p.Leu115= (NM_004013.3, NM_004020.4, NM_004021.3 and 2 more transcripts).
Identifiers: ClinVar variation 387783 (VCV000387783.17), dbSNP rs754604466, ClinGen allele CA10378218.